The following is an entry in ClinVar:

NM_001277115.2(DNAH11):c.58C>A (p.Arg20Ser)

Gene: DNAH11 (dynein axonemal heavy chain 11; plus strand). Cytogenetic location: 7p15.3.
Variant type: single nucleotide variant.
Coding change: c.58C>A on transcript NM_001277115.2 (MANE Select); coding-DNA position 58, C replaced by A.
Protein change: p.Arg20Ser; replaces arginine 20 with serine.
Molecular consequence: missense variant.
Genome position (GRCh38, 1-based): chr7:21,543,303, C>A. VCF-style: chr7-21543303-C-A. GRCh37 (hg19) VCF-style: chr7-21582921-C-A.
Other names: short protein forms R20S.
Identifiers: ClinVar variation 218583 (VCV000218583.24), dbSNP rs72655967, ClinGen allele CA248936.

ClinVar aggregate classification (germline): Conflicting classifications of pathogenicity. Review status: criteria provided, conflicting classifications (1 of 4 stars). 8 submissions from 8 submitters: Uncertain significance (1); Benign (5); Likely benign (2). Last evaluated 2026-02-02.

Conditions:
Primary ciliary dyskinesia. Also called: Ciliary dyskinesia. Identifiers: Orphanet 244, MedGen C0008780, MONDO:0016575, HP:0012265.
Primary ciliary dyskinesia 7. Also called: CILIARY DYSKINESIA, PRIMARY, 7, WITH OR WITHOUT SITUS INVERSUS. Identifiers: Orphanet 244, MedGen C2678473, MONDO:0012748, OMIM 611884.

Allele frequency attached by ClinVar (database versions not stated): gnomAD 0.00188; 1000 Genomes Project 0.00280; 1000 Genomes Project 30x 0.00312; TOPMed 0.00331.
gnomAD v4.1: 1,508 of 1,549,134 alleles (0.097%); highest among the groups gnomAD compares: Admixed American, 2.5%; 18 homozygotes.

Submissions (8):

Labcorp Genetics (formerly Invitae), Labcorp
Classification: Benign for Primary ciliary dyskinesia. Last evaluated: 2026-02-02. Review status: criteria provided, single submitter. Criteria: Invitae Variant Classification Sherloc (09022015). Collection method: clinical testing. Allele origin: germline.

ARUP Laboratories, Molecular Genetics and Genomics, ARUP Laboratories
Classification: Benign for Primary ciliary dyskinesia 7. Last evaluated: 2025-05-05. Review status: criteria provided, single submitter. Criteria: ARUP Molecular Germline Variant Investigation Process 2024. Collection method: clinical testing. Allele origin: germline.

GeneDx
Classification: Likely benign. Last evaluated: 2024-02-29. Review status: criteria provided, single submitter. Criteria: GeneDx Variant Classification Process June 2021. Collection method: clinical testing. Allele origin: germline. Affected: yes.
Comment: See Variant Classification Assertion Criteria.

Mayo Clinic Laboratories, Mayo Clinic
Classification: Benign. Last evaluated: 2023-11-08. Review status: criteria provided, single submitter. Criteria: ACMG Guidelines, 2015. Collection method: clinical testing. Allele origin: germline. Observed: 2 variant alleles.
Comment: BS1, BS2, BP4

Center for Pediatric Genomic Medicine, Children's Mercy Hospital and Clinics
Classification: Likely benign. Last evaluated: 2017-02-16. Review status: criteria provided, single submitter. Criteria: ACMG Guidelines, 2015. Collection method: clinical testing. Allele origin: germline.
ClinVar note: Converted during submission from Likely Benign to Likely benign.

Genomic Diagnostic Laboratory, Division of Genomic Diagnostics, Children's Hospital of Philadelphia
Classification: Uncertain significance. Last evaluated: 2015-06-16. Review status: criteria provided, single submitter. Criteria: DGD Variant Analysis Guidelines. Collection method: clinical testing. Allele origin: unknown.

Laboratory for Molecular Medicine, Mass General Brigham Personalized Medicine
Classification: Benign. Last evaluated: 2013-02-21. Review status: criteria provided, single submitter. Criteria: LMM Criteria. Collection method: clinical testing. Allele origin: germline. Observed: 1 variant allele.
Comment: Arg20Ser in exon 1 of DNAH11: This variant is not expected to have clinical sign ificance because it has been identified in 3.8% (5/132) of Mexican chromosomes f rom a broad population by the 1000 Genomes Project (projects/SNP; dbSNP rs72655967).

PreventionGenetics, part of Exact Sciences
Classification: Benign. Review status: criteria provided, single submitter. Criteria: ACMG Guidelines, 2015. Collection method: clinical testing. Allele origin: germline.